The following is an entry in ClinVar:

ClinVar aggregate classification (germline): Uncertain significance (1 of 4 stars; one submission).

Submission:

Labcorp Genetics (formerly Invitae), Labcorp
Classification: Uncertain significance. Last evaluated: 2022-08-22. Review status: criteria provided, single submitter. Criteria: Invitae Variant Classification Sherloc (09022015). Collection method: clinical testing. Allele origin: germline.
Comment: This variant has not been reported in the literature in individuals affected with TCF20-related conditions. This variant is not present in population databases (gnomAD no frequency). This sequence change replaces leucine, which is neutral and non-polar, with valine, which is neutral and non-polar, at codon 1867 of the TCF20 protein (p.Leu1867Val). In summary, the available evidence is currently insufficient to determine the role of this variant in disease. Therefore, it has been classified as a Variant of Uncertain Significance. Algorithms developed to predict the effect of missense changes on protein structure and function are either unavailable or do not agree on the potential impact of this missense change (SIFT: "Deleterious"; PolyPhen-2: "Probably Damaging"; Align-GVGD: "Class C0").

NM_001378418.1(TCF20):c.5599C>G (p.Leu1867Val)

Gene: TCF20 (transcription factor 20; minus strand). Cytogenetic location: 22q13.2.
Variant type: single nucleotide variant.
Coding change: c.5599C>G on transcript NM_001378418.1 (MANE Select); coding-DNA position 5599, C replaced by G.
Protein change: p.Leu1867Val; replaces leucine 1867 with valine.
Molecular consequence: missense variant.
Genome position (GRCh38, 1-based): chr22:42,209,707, G>C on the plus strand (C>G on the coding strand, the complement: TCF20 is on the minus strand). VCF-style: chr22-42209707-G-C. GRCh37 (hg19) VCF-style: chr22-42605713-G-C.
Other names: c.5599C>G, p.Leu1867Val (NM_005650.4, NM_181492.3); short protein forms L1867V.
Identifiers: ClinVar variation 1717654 (VCV001717654.5), dbSNP rs1182529121, ClinGen allele CA411780460.